The following is an entry in ClinVar:

ClinVar aggregate classification (germline): Likely benign (0 of 4 stars; one submission).

Conditions:
PKD1-related disorder. Also called: PKD1-related condition.

Allele frequency attached by ClinVar (database versions not stated): gnomAD exomes 0.00001; gnomAD 0.00002; TOPMed 0.00002; ExAC 0.00006.
gnomAD v4.1: 24 of 1,601,578 alleles (0.0015%); highest among the groups gnomAD compares: Admixed American, 0.013%; no homozygotes.

Submission:

PreventionGenetics, part of Exact Sciences
Classification: Likely benign for PKD1-related condition. Last evaluated: 2020-05-26. Review status: no assertion criteria provided. Collection method: clinical testing. Allele origin: germline.
Comment: This variant is classified as likely benign based on ACMG/AMP sequence variant interpretation guidelines (Richards et al. 2015 PMID: 25741868, with internal and published modifications).

NM_001009944.3(PKD1):c.6012C>T (p.Tyr2004=)

Gene: PKD1 (polycystin 1, transient receptor potential channel interacting; minus strand). Cytogenetic location: 16p13.3.
Variant type: single nucleotide variant.
Coding change: c.6012C>T on transcript NM_001009944.3 (MANE Select); coding-DNA position 6012, C replaced by T.
Protein change: p.Tyr2004=; no amino-acid change (tyrosine 2004 retained).
Molecular consequence: synonymous variant.
Genome position (GRCh38, 1-based): chr16:2,109,155, G>A on the plus strand (C>T on the coding strand, the complement: PKD1 is on the minus strand). VCF-style: chr16-2109155-G-A. GRCh37 (hg19) VCF-style: chr16-2159156-G-A.
Other names: c.6012C>T, p.Tyr2004= (NM_000296.4).
Identifiers: ClinVar variation 3037113 (VCV003037113.2), dbSNP rs749606098, ClinGen allele CA7831763.